The following is an entry in ClinVar:

NM_007052.5(NOX1):c.1278C>G (p.His426Gln)

Gene: NOX1 (NADPH oxidase 1; minus strand). Cytogenetic location: Xq22.1.
Variant type: single nucleotide variant.
Coding change: c.1278C>G on transcript NM_007052.5 (MANE Select); coding-DNA position 1278, C replaced by G.
Protein change: p.His426Gln; replaces histidine 426 with glutamine.
Molecular consequence: missense variant.
Genome position (GRCh38, 1-based): chrX:100,849,790, G>C on the plus strand (C>G on the coding strand, the complement: NOX1 is on the minus strand). VCF-style: chrX-100849790-G-C. GRCh37 (hg19) VCF-style: chrX-100104779-G-C.
Other names: c.1167C>G, p.His389Gln (NM_001271815.2); c.1278C>G, p.His426Gln (NM_013955.3); short protein forms H389Q, H426Q.
Identifiers: ClinVar variation 727642 (VCV000727642.7), dbSNP rs767898415, ClinGen allele CA10470481.

ClinVar aggregate classification (germline): Conflicting classifications of pathogenicity. Review status: criteria provided, conflicting classifications (1 of 4 stars). 3 submissions from 3 submitters: Uncertain significance (1); Likely benign (1). 1 of the submissions does not count toward it. Last evaluated 2025-01-29.

Conditions:
NOX1-related disorder. Also called: NOX1-related condition.

Allele frequency attached by ClinVar (database versions not stated): gnomAD 0.00002; gnomAD exomes 0.00028; ExAC 0.00030; TOPMed 0.00017.
gnomAD v4.1: 50 of 1,204,022 alleles (0.0042%); highest among the groups gnomAD compares: Admixed American, 0.11%; no homozygotes.

Submissions (3):

Ambry Genetics
Classification: Uncertain significance. Last evaluated: 2025-01-29. Review status: criteria provided, single submitter. Criteria: Ambry Variant Classification Scheme 2023. Collection method: clinical testing. Allele origin: germline.

Labcorp Genetics (formerly Invitae), Labcorp
Classification: Likely benign. Last evaluated: 2019-12-31. Review status: criteria provided, single submitter. Criteria: Invitae Variant Classification Sherloc (09022015). Collection method: clinical testing. Allele origin: germline.

PreventionGenetics, part of Exact Sciences
Classification: Likely benign for NOX1-related condition. Last evaluated: 2023-07-29. Review status: no assertion criteria provided. Collection method: clinical testing. Allele origin: germline. Not counted in ClinVar's aggregate classification.
Comment: This variant is classified as likely benign based on ACMG/AMP sequence variant interpretation guidelines (Richards et al. 2015 PMID: 25741868, with internal and published modifications).